The following is an entry in ClinVar:

NM_003073.5(SMARCB1):c.943A>T (p.Ile315Phe)

Gene: SMARCB1 (SWI/SNF related BAF chromatin remodeling complex subunit B1; plus strand). Cytogenetic location: 22q11.23.
Variant type: single nucleotide variant.
Coding change: c.943A>T on transcript NM_003073.5 (MANE Select); coding-DNA position 943, A replaced by T.
Protein change: p.Ile315Phe; replaces isoleucine 315 with phenylalanine.
Molecular consequence: missense variant.
Genome position (GRCh38, 1-based): chr22:23,825,372, A>T. VCF-style: chr22-23825372-A-T. GRCh37 (hg19) VCF-style: chr22-24167559-A-T.
Other names: c.916A>T, p.Ile306Phe (NM_001007468.3); c.970A>T, p.Ile324Phe (NM_001317946.2); c.997A>T, p.Ile333Phe (NM_001362877.2); short protein forms I306F, I315F, I333F, I324F.
Identifiers: ClinVar variation 1390691 (VCV001390691.8), dbSNP rs2146027104, ClinGen allele CA410907744.

ClinVar aggregate classification (germline): Uncertain significance (1 of 4 stars; one submission).

Submission:

Labcorp Genetics (formerly Invitae), Labcorp
Classification: Uncertain significance. Last evaluated: 2021-07-14. Review status: criteria provided, single submitter. Criteria: Invitae Variant Classification Sherloc (09022015). Collection method: clinical testing. Allele origin: germline.
Comment: In summary, the available evidence is currently insufficient to determine the role of this variant in disease. Therefore, it has been classified as a Variant of Uncertain Significance. This variant is not present in population databases (ExAC no frequency). This variant has not been reported in the literature in individuals affected with SMARCB1-related conditions. Algorithms developed to predict the effect of missense changes on protein structure and function are either unavailable or do not agree on the potential impact of this missense change (SIFT: "Deleterious"; PolyPhen-2: "Probably Damaging"; Align-GVGD: "Class C15"). This sequence change replaces isoleucine with phenylalanine at codon 315 of the SMARCB1 protein (p.Ile315Phe). The isoleucine residue is highly conserved and there is a small physicochemical difference between isoleucine and phenylalanine.